The following is an entry in ClinVar:

ClinVar aggregate classification (germline): Benign (1 of 4 stars; one submission).

Allele frequency attached by ClinVar (database versions not stated): gnomAD exomes 0.01270; gnomAD 0.08078 and 0.08618; 1000 Genomes Project 0.08318; 1000 Genomes Project 30x 0.08907; TOPMed 0.09260.
gnomAD v4.1: 15,257 of 572,436 alleles (2.7%); highest among the groups gnomAD compares: African/African-American, 27%; 1,276 homozygotes.

Submission:

GeneDx
Classification: Benign. Last evaluated: 2018-06-14. Review status: criteria provided, single submitter. Criteria: GeneDx Variant Classification (06012015). Collection method: clinical testing. Allele origin: germline. Affected: yes.
Comment: This variant is considered likely benign or benign based on one or more of the following criteria: it is a conservative change, it occurs at a poorly conserved position in the protein, it is predicted to be benign by multiple in silico algorithms, and/or has population frequency not consistent with disease.

NM_002294.3(LAMP2):c.398-110T>G

Gene: LAMP2 (lysosomal associated membrane protein 2; minus strand). Cytogenetic location: Xq24.
Variant type: single nucleotide variant.
Coding change: c.398-110T>G on transcript NM_002294.3 (MANE Select); 110 bases into the intron before coding-DNA position 398, T replaced by G.
Molecular consequence: intron variant.
Genome position (GRCh38, 1-based): chrX:120,449,238, A>C on the plus strand (T>G on the coding strand, the complement: LAMP2 is on the minus strand). VCF-style: chrX-120449238-A-C. GRCh37 (hg19) VCF-style: chrX-119583093-A-C.
Other names: c.398-110T>G (NM_001122606.1, NM_013995.2).
Identifiers: ClinVar variation 674368 (VCV000674368.1), dbSNP rs59050206, ClinGen allele CA335013575.
Genomic context (GRCh38, chrX:120,449,238, plus strand): 5'-TGATAATATAAATATATTTGTATAGGCTTTCTTCTTCTCTCTGCCTGCCCTACCCCAGGC[A>C]CAAAGTGACAAAGGATATAGCATGCTTAAGGGCATGACTAGTTCACTGTGGCTAAAACAT-3'